The following is an entry in ClinVar:

ClinVar aggregate classification (germline): Pathogenic (1 of 4 stars; one submission).

Conditions:
Blepharophimosis - intellectual disability syndrome, SBBYS type (SBBYSS). Also called: Say-Barber-Biesecker variant of Ohdo syndrome (SBBYSS); Young Simpson syndrome; Mental retardation unusual facies hypothyroidism; Ohdo syndrome, SBBYS variant; SBBYSS syndrome; Say-Barber-Biesecker-Young-Simpson syndrome. Identifiers: Orphanet 3047, MedGen C1863557, MONDO:0011365, OMIM 603736.

Submission:

Gansu Provincial Maternity and Child Care Hospital
Classification: Pathogenic for Blepharophimosis - intellectual disability syndrome, SBBYS type. Last evaluated: 2026-06-02. Review status: criteria provided, single submitter. Criteria: ACMG Guidelines, 2015. Collection method: clinical testing. Allele origin: de novo. Inheritance: Autosomal dominant inheritance. Affected: yes.
Comment: The c.3414delGinsT variant is a frameshift variant that leads to premature termination of translation (PVS1). Parental verification confirmed it as a de novo variant (PS2). This site is not recorded in the gnomAD database (PM2_supporting).This variant is classified as pathogenic.

NM_012330.4(KAT6B):c.3414del (p.Arg1139fs)

Gene: KAT6B (lysine acetyltransferase 6B; plus strand). Cytogenetic location: 10q22.2.
Variant type: Deletion.
Coding change: c.3414del on transcript NM_012330.4 (MANE Select); coding-DNA position 3414, one base deleted (G; older notation c.3414delG).
Protein change: p.Arg1139fs; shifts the reading frame from arginine 1139.
Molecular consequence: frameshift variant.
Genome position (GRCh38, 1-based): chr10:75,024,999, G deleted; the last of 2 consecutive G bases (chr10:75,024,998-75,024,999); deleting either gives the same sequence. VCF-style (leftmost placement, unchanged base first): chr10-75024997-AG-A. GRCh37 (hg19) VCF-style: chr10-76784755-AG-A.
Other names: c.2538del, p.Arg847fs (NM_001370141.1, NM_001370142.1, NM_001256469.2 and 2 more transcripts); c.3414delG (NM_012330.4); c.2349del, p.Arg784fs (NM_001370143.1, NM_001370144.1); c.2865del, p.Arg956fs (NM_001256468.2, NM_001370138.1); c.2376del, p.Arg793fs (NM_001370132.1); c.1725del, p.Arg576fs (NM_001370133.1); c.1329del, p.Arg444fs (NM_001370134.1); c.1071del, p.Arg358fs (NM_001370135.1); and 1 more; short protein forms R1139fs, R358fs, R444fs, R576fs, R784fs, R793fs, R847fs, R956fs.
Identifiers: ClinVar variation 4856396 (VCV004856396.1).